The following is an entry in ClinVar:

ClinVar aggregate classification (germline): Pathogenic. Review status: criteria provided, multiple submitters, no conflicts (2 of 4 stars). 2 submissions from 2 submitters: Pathogenic (2). Last evaluated 2022-11-01.

Conditions:
Congenital myasthenic syndrome 4A. Also called: Myasthenic syndrome, congenital, 4a, slow-channel; CONGENITAL MYASTHENIC SYNDROME TYPE Ia1; MYASTHENIC SYNDROME, CONGENITAL, 4A, SLOW-CHANNEL, AUTOSOMAL RECESSIVE. Identifiers: Orphanet 590, MedGen C4225413, MONDO:0011600, OMIM 605809.

Submissions (2):

Labcorp Genetics (formerly Invitae), Labcorp
Classification: Pathogenic for Congenital myasthenic syndrome 4A. Last evaluated: 2022-11-01. Review status: criteria provided, single submitter. Criteria: Invitae Variant Classification Sherloc (09022015). Collection method: clinical testing. Allele origin: germline.
Comment: ClinVar contains an entry for this variant (Variation ID: 841740). For these reasons, this variant has been classified as Pathogenic. This variant disrupts the p.Val279 amino acid residue in CHRNE. Other variant(s) that disrupt this residue have been determined to be pathogenic (PMID: 19289485, 21822932). This suggests that this residue is clinically significant, and that variants that disrupt this residue are likely to be disease-causing. Experimental studies have shown that this missense change affects CHRNE function (PMID: 16198106). Advanced modeling of protein sequence and biophysical properties (such as structural, functional, and spatial information, amino acid conservation, physicochemical variation, residue mobility, and thermodynamic stability) performed at Invitae indicates that this missense variant is expected to disrupt CHRNE protein function. This variant is also known as 846G>T (V259F). This missense change has been observed in individual(s) with clinical features of autosomal dominant congenital myasthenic syndrome (PMID: 16198106; Invitae). In at least one individual the variant was observed to be de novo. This variant is not present in population databases (gnomAD no frequency). This sequence change replaces valine, which is neutral and non-polar, with phenylalanine, which is neutral and non-polar, at codon 279 of the CHRNE protein (p.Val279Phe).

3billion
Classification: Pathogenic for Congenital myasthenic syndrome 4A. Last evaluated: 2022-01-03. Review status: criteria provided, single submitter. Criteria: ACMG Guidelines, 2015. Collection method: clinical testing. Allele origin: germline. Affected: yes. Observed: 1 heterozygote.
Comment: Same nucleotide change resulting in same amino acid change has been previously reported as pathogenic/likely pathogenic with strong evidence (ClinVar ID:VCV000841740, PMID:16198106 PS1_S). The variant was co-segregated with Myasthenic syndrome, congenital, 4A, slow-channel, associated with CHRNE gene,in multiple affected family members (3billion dataset, PP1_P). Functional studies provide moderate evidence of the variant having a damaging effect on the gene or gene product (PMID: 16198106, PS3_M). A different missense change at the same codon (p.Val279Leu) has been reported to be associated with CHRNE related disorder (PMID:19289485, PM5_P). In silico tool predictions suggest damaging effect of the variant on gene or gene product (REVEL: 0.894, 3CNET: 0.953, PP3_P). It is not observed in the gnomAD v2.1.1 dataset (PM2_M). Therefore, this variant is classified as pathogenic according to the recommendation of ACMG/AMP guideline.

Literature cited by the submitters: PubMed 19289485 (cited by Labcorp Genetics (formerly Invitae), Labcorp and 3billion); PubMed 21822932 (cited by Labcorp Genetics (formerly Invitae), Labcorp); PubMed 16198106 (cited by Labcorp Genetics (formerly Invitae), Labcorp and 3billion).

NM_000080.4(CHRNE):c.835G>T (p.Val279Phe)

Genes: C17orf107 (chromosome 17 open reading frame 107; plus strand), CHRNE (cholinergic receptor nicotinic epsilon subunit; minus strand). Cytogenetic location: 17p13.2.
Variant type: single nucleotide variant.
Coding change: c.835G>T on transcript NM_000080.4 (MANE Select); coding-DNA position 835, G replaced by T.
Protein change: p.Val279Phe; replaces valine 279 with phenylalanine.
Molecular consequence: missense variant. On other transcripts: 3 prime UTR variant (1).
Genome position (GRCh38, 1-based): chr17:4,900,875, C>A on the plus strand (G>T on the coding strand, the complement: CHRNE is on the minus strand). VCF-style: chr17-4900875-C-A. GRCh37 (hg19) VCF-style: chr17-4804170-C-A.
Other names: c.*342C>A (NM_001145536.2); short protein forms V279F.
Identifiers: ClinVar variation 841740 (VCV000841740.11), dbSNP rs1597618854, ClinGen allele CA397304555.
Genomic context (GRCh38, chr17:4,900,875, plus strand): 5'-GAGAAGTCTCTGGGATTTTCTGGGCAATGAGGAACAAGAAGACGGTCTGGGCGAGCAGGA[C>A]GTTGATGGAGACCGTGCATTTCTGGCCGCCGGCTGGAGGGAGAGCCAGTGAGAGCGGGCC-3'
Protein context (NP_000071.1, residues 269-289): GGQKCTVSIN[Val279Phe]LLAQTVFLFL